The following is an entry in ClinVar:

ClinVar aggregate classification (germline): Uncertain significance. Review status: criteria provided, multiple submitters, no conflicts (2 of 4 stars). 4 submissions from 4 submitters: Uncertain significance (3). 1 of the submissions does not count toward it. Last evaluated 2025-07-08.

Conditions:
Cohen syndrome (COH1). Also called: PEPPER SYNDROME; Cutis verticis gyrata, retinitis pigmentosa, and sensorineural deafness. Identifiers: Orphanet 193, MedGen C0265223, MONDO:0008999, OMIM 216550.
VPS13B-related disorder. Also called: VPS13B-related condition.
Inborn genetic diseases. Identifiers: MedGen C0950123, MeSH D030342.

Allele frequency attached by ClinVar (database versions not stated): ExAC 0.00001; gnomAD exomes 0.00001; TOPMed 0.00002; ESP Exome Variant Server 0.00008.
gnomAD v4.1: 8 of 1,613,236 alleles (0.0005%); highest among the groups gnomAD compares: Non-Finnish European, 0.00068%; no homozygotes.

Submissions (4):

Ambry Genetics
Classification: Uncertain significance for Inborn genetic diseases. Last evaluated: 2025-07-08. Review status: criteria provided, single submitter. Criteria: Ambry Variant Classification Scheme 2023. Collection method: clinical testing. Allele origin: germline.

Blueprint Genetics
Classification: Uncertain significance. Last evaluated: 2024-05-08. Review status: criteria provided, single submitter. Criteria: ACMG Guidelines, 2015. Collection method: clinical testing. Allele origin: germline.

Labcorp Genetics (formerly Invitae), Labcorp
Classification: Uncertain significance for Cohen syndrome. Last evaluated: 2022-10-31. Review status: criteria provided, single submitter. Criteria: Invitae Variant Classification Sherloc (09022015). Collection method: clinical testing. Allele origin: germline.
Comment: This sequence change replaces isoleucine, which is neutral and non-polar, with leucine, which is neutral and non-polar, at codon 784 of the VPS13B protein (p.Ile784Leu). This variant is present in population databases (rs370855171, gnomAD 0.003%). This variant has not been reported in the literature in individuals affected with VPS13B-related conditions. Advanced modeling of protein sequence and biophysical properties (such as structural, functional, and spatial information, amino acid conservation, physicochemical variation, residue mobility, and thermodynamic stability) performed at Invitae indicates that this missense variant is not expected to disrupt VPS13B protein function. In summary, the available evidence is currently insufficient to determine the role of this variant in disease. Therefore, it has been classified as a Variant of Uncertain Significance.

PreventionGenetics, part of Exact Sciences
Classification: Uncertain significance for VPS13B-related condition. Last evaluated: 2024-06-20. Review status: no assertion criteria provided. Collection method: clinical testing. Allele origin: germline. Not counted in ClinVar's aggregate classification.
Comment: The VPS13B c.2350A>C variant is predicted to result in the amino acid substitution p.Ile784Leu. To our knowledge, this variant has not been reported in the literature. This variant is reported in 0.0026% of alleles in individuals of European (non-Finnish) descent in gnomAD. At this time, the clinical significance of this variant is uncertain due to the absence of conclusive functional and genetic evidence.

NM_152564.5(VPS13B):c.2350A>C (p.Ile784Leu)

Gene: VPS13B (vacuolar protein sorting 13 homolog B; plus strand). Cytogenetic location: 8q22.2.
Variant type: single nucleotide variant.
Coding change: c.2350A>C on transcript NM_152564.5 (MANE Select); coding-DNA position 2350, A replaced by C.
Protein change: p.Ile784Leu; replaces isoleucine 784 with leucine.
Molecular consequence: missense variant.
Genome position (GRCh38, 1-based): chr8:99,192,892, A>C. VCF-style: chr8-99192892-A-C. GRCh37 (hg19) VCF-style: chr8-100205120-A-C.
Other names: c.2350A>C (NM_017890.3); c.2350A>C, p.Ile784Leu (NM_015243.3, NM_017890.5); short protein forms I784L.
Identifiers: ClinVar variation 2047200 (VCV002047200.5), dbSNP rs370855171, ClinGen allele CA4822892.